The following is an entry in ClinVar:

NM_172362.3(KCNH1):c.302A>T (p.Lys101Met)

Gene: KCNH1 (potassium voltage-gated channel subfamily H member 1; minus strand). Cytogenetic location: 1q32.2.
Variant type: single nucleotide variant.
Coding change: c.302A>T on transcript NM_172362.3 (MANE Select); coding-DNA position 302, A replaced by T.
Protein change: p.Lys101Met; replaces lysine 101 with methionine.
Molecular consequence: missense variant.
Genome position (GRCh38, 1-based): chr1:211,103,504, T>A on the plus strand (A>T on the coding strand, the complement: KCNH1 is on the minus strand). VCF-style: chr1-211103504-T-A. GRCh37 (hg19) VCF-style: chr1-211276846-T-A.
Other names: c.302A>T, p.Lys101Met (NM_002238.4); short protein forms K101M.
Identifiers: ClinVar variation 1370354 (VCV001370354.8), dbSNP rs1401594988, ClinGen allele CA344873431.

ClinVar aggregate classification (germline): Uncertain significance (1 of 4 stars; one submission).

Allele frequency attached by ClinVar (database versions not stated): gnomAD exomes below 0.00001.

Submission:

Labcorp Genetics (formerly Invitae), Labcorp
Classification: Uncertain significance. Last evaluated: 2022-03-19. Review status: criteria provided, single submitter. Criteria: Invitae Variant Classification Sherloc (09022015). Collection method: clinical testing. Allele origin: germline.
Comment: This sequence change replaces lysine, which is basic and polar, with methionine, which is neutral and non-polar, at codon 101 of the KCNH1 protein (p.Lys101Met). In summary, the available evidence is currently insufficient to determine the role of this variant in disease. Therefore, it has been classified as a Variant of Uncertain Significance. Advanced modeling of protein sequence and biophysical properties (such as structural, functional, and spatial information, amino acid conservation, physicochemical variation, residue mobility, and thermodynamic stability) performed at Invitae indicates that this missense variant is expected to disrupt KCNH1 protein function. This variant has not been reported in the literature in individuals affected with KCNH1-related conditions. This variant is present in population databases (no rsID available, gnomAD 0.003%).